The following is an entry in ClinVar:

NM_002691.4(POLD1):c.2941G>T (p.Ala981Ser)

Gene: POLD1 (DNA polymerase delta 1, catalytic subunit; plus strand). Cytogenetic location: 19q13.33.
Variant type: single nucleotide variant.
Coding change: c.2941G>T on transcript NM_002691.4 (MANE Select); coding-DNA position 2941, G replaced by T.
Protein change: p.Ala981Ser; replaces alanine 981 with serine.
Molecular consequence: missense variant. On other transcripts: non-coding transcript variant (1).
Genome position (GRCh38, 1-based): chr19:50,416,516, G>T. VCF-style: chr19-50416516-G-T. GRCh37 (hg19) VCF-style: chr19-50919773-G-T.
Other names: c.2941G>T, p.Ala981Ser (NM_001256849.1); c.3019G>T, p.Ala1007Ser (NM_001308632.1); c.2941G>T (NM_002691.2); short protein forms A1007S, A981S.
Identifiers: ClinVar variation 239320 (VCV000239320.7), dbSNP rs878854546, ClinGen allele CA10583855.
Genomic context (GRCh38, chr19:50,416,516, plus strand): 5'-CAGCTGGCCAAGCCCCTCCTGCGCATCTTCGAGCCCATCCTGGGCGAGGGCCGTGCCGAG[G>T]CTGTGCTACTGCGTACGGGGGCACCAGGGGACTGGGGGCACCCTGGGGGGGCAGAGGAGA-3'
Protein context (NP_002682.2, residues 971-991): EPILGEGRAE[Ala981Ser]VLLRGDHTRC

ClinVar aggregate classification (germline): Uncertain significance. Review status: criteria provided, multiple submitters, no conflicts (2 of 4 stars). 2 submissions from 2 submitters: Uncertain significance (2). Last evaluated 2026-02-04.

Conditions:
Hereditary cancer-predisposing syndrome. Also called: Hereditary Cancer Syndrome; Neoplastic Syndromes, Hereditary; Hereditary neoplastic syndrome; Tumor predisposition. Identifiers: Orphanet 140162, MedGen C0027672, MeSH D009386, MONDO:0015356.
POLD1-related polyposis and colorectal cancer syndrome (CRCS10). Also called: COLORECTAL CANCER, SUSCEPTIBILITY TO, ON CHROMOSOME 19q; Colorectal cancer 10; Colorectal cancer, susceptibility to, 10. Identifiers: Orphanet 220460, MedGen C2675481, MONDO:0012953, OMIM 612591.

Allele frequency attached by ClinVar (database versions not stated): TOPMed below 0.00001; gnomAD 0.00001.
gnomAD v4.1: 2 of 1,553,000 alleles (0.00013%); highest among the groups gnomAD compares: Non-Finnish European, 0.00017%; no homozygotes.

Submissions (2):

Ambry Genetics
Classification: Uncertain significance for Hereditary cancer-predisposing syndrome. Last evaluated: 2026-02-04. Review status: criteria provided, single submitter. Criteria: Ambry Variant Classification Scheme 2023. Collection method: clinical testing. Allele origin: germline.
Comment: The p.A981S variant (also known as c.2941G>T), located in coding exon 22 of the POLD1 gene, results from a G to T substitution at nucleotide position 2941. The alanine at codon 981 is replaced by serine, an amino acid with similar properties. This amino acid position is conserved. In addition, this alteration is predicted to be tolerated by in silico analysis. Based on the available evidence, the clinical significance of this variant remains unclear.

Labcorp Genetics (formerly Invitae), Labcorp
Classification: Uncertain significance for POLD1-related polyposis and colorectal cancer syndrome. Last evaluated: 2025-04-09. Review status: criteria provided, single submitter. Criteria: Invitae Variant Classification Sherloc (09022015). Collection method: clinical testing. Allele origin: germline.
Comment: This sequence change replaces alanine, which is neutral and non-polar, with serine, which is neutral and polar, at codon 981 of the POLD1 protein (p.Ala981Ser). This variant is not present in population databases (gnomAD no frequency). This variant has not been reported in the literature in individuals affected with POLD1-related conditions. ClinVar contains an entry for this variant (Variation ID: 239320). Invitae Evidence Modeling of protein sequence and biophysical properties (such as structural, functional, and spatial information, amino acid conservation, physicochemical variation, residue mobility, and thermodynamic stability) indicates that this missense variant is not expected to disrupt POLD1 protein function with a negative predictive value of 80%. Algorithms developed to predict the effect of sequence changes on RNA splicing suggest that this variant may create or strengthen a splice site. In summary, the available evidence is currently insufficient to determine the role of this variant in disease. Therefore, it has been classified as a Variant of Uncertain Significance.